The following is an entry in ClinVar:

ClinVar aggregate classification (germline): Conflicting classifications of pathogenicity. Review status: criteria provided, conflicting classifications (1 of 4 stars). 2 submissions from 2 submitters: Uncertain significance (1); Likely benign (1). Last evaluated 2022-07-01.

Allele frequency attached by ClinVar (database versions not stated): TOPMed 0.00018; ESP Exome Variant Server 0.00019; gnomAD 0.00026; gnomAD exomes 0.00029; ExAC 0.00039.
gnomAD v4.1: 348 of 1,208,070 alleles (0.029%); highest among the groups gnomAD compares: South Asian, 0.19%; no homozygotes.

Submissions (2):

CeGaT Center for Human Genetics Tuebingen
Classification: Likely benign. Last evaluated: 2022-07-01. Review status: criteria provided, single submitter. Criteria: CeGaT Center For Human Genetics Tuebingen Variant Classification Criteria Version 2. Collection method: clinical testing. Allele origin: germline. Affected: yes. Observed: 1 variant allele.
Comment: USP26: BP4, BS1

Ambry Genetics
Classification: Uncertain significance. Last evaluated: 2021-06-22. Review status: criteria provided, single submitter. Criteria: Ambry Variant Classification Scheme 2023. Collection method: clinical testing. Allele origin: germline.

NM_031907.3(USP26):c.338G>T (p.Gly113Val)

Gene: USP26 (ubiquitin specific peptidase 26; minus strand). Cytogenetic location: Xq26.2.
Variant type: single nucleotide variant.
Coding change: c.338G>T on transcript NM_031907.3 (MANE Select); coding-DNA position 338, G replaced by T.
Protein change: p.Gly113Val; replaces glycine 113 with valine.
Molecular consequence: missense variant.
Genome position (GRCh38, 1-based): chrX:133,027,883, C>A on the plus strand (G>T on the coding strand, the complement: USP26 is on the minus strand). VCF-style: chrX-133027883-C-A. GRCh37 (hg19) VCF-style: chrX-132161911-C-A.
Other names: c.338G>T (NM_031907.1); short protein forms G113V.
Identifiers: ClinVar variation 2661463 (VCV002661463.25), dbSNP rs150401753, ClinGen allele CA10520021.
Genomic context (GRCh38, chrX:133,027,883, plus strand): 5'-TGGAATGAAGTTTTGTTGATTTCCTTCTGTGTTGTGCTAGAAAAGACACTCCCACCCTTA[C>A]CAGGTCTCACAGGTGGCTGAACCTCGTTTTGATGAACTCTGTCCAAGAATATCTTCAATT-3'
Protein context (NP_114113.1, residues 103-123): QNEVQPPVRP[Gly113Val]KGGSVFSSTT